The following is an entry in ClinVar:

NM_144997.7(FLCN):c.17_21del (p.Ala6fs)

Gene: FLCN (folliculin; minus strand). Cytogenetic location: 17p11.2.
Variant type: Deletion.
Coding change: c.17_21del on transcript NM_144997.7 (MANE Select); coding-DNA positions 17 to 21, 5 bases deleted (CTCTC; older notation c.17_21delCTCTC).
Protein change: p.Ala6fs; shifts the reading frame from alanine 6.
Molecular consequence: frameshift variant.
Genome position (GRCh38, 1-based): chr17:17,228,117-17,228,121, GAGAG deleted on the plus strand (CTCTC on the coding strand, the reverse complement: FLCN is on the minus strand). VCF-style (leftmost placement, unchanged base first): chr17-17228116-AGAGAG-A. GRCh37 (hg19) VCF-style: chr17-17131430-AGAGAG-A.
Other names: c.17_21del, p.Ala6fs (NM_001353229.2, NM_001353230.2, NM_001353231.2 and 1 more transcripts); short protein forms A6fs.
Identifiers: ClinVar variation 819877 (VCV000819877.5), dbSNP rs1597618627, ClinGen allele CA915949612.

ClinVar aggregate classification (germline): Pathogenic. Review status: criteria provided, multiple submitters, no conflicts (2 of 4 stars). 2 submissions from 2 submitters: Pathogenic (2). Last evaluated 2025-10-21.

Conditions:
Pneumothorax - familial.
Hereditary cancer-predisposing syndrome. Also called: Neoplastic Syndromes, Hereditary; Tumor predisposition; Hereditary Cancer Syndrome; Hereditary neoplastic syndrome. Identifiers: Orphanet 140162, MedGen C0027672, MeSH D009386, MONDO:0015356.

Submissions (2):

NHS Central & South Genomic Laboratory Hub
Classification: Pathogenic for Pneumothorax - familial. Last evaluated: 2025-10-21. Review status: criteria provided, single submitter. Criteria: ACMG Guidelines, 2015. Collection method: clinical testing. Allele origin: germline. Affected: yes.

Ambry Genetics
Classification: Pathogenic for Hereditary cancer-predisposing syndrome. Last evaluated: 2018-05-21. Review status: criteria provided, single submitter. Criteria: Ambry Variant Classification Scheme 2023. Collection method: clinical testing. Allele origin: germline.
Comment: The c.17_21delCTCTC pathogenic mutation, located in coding exon 1 of the FLCN gene, results from a deletion of 5 nucleotides at nucleotide positions 17 to 21, causing a translational frameshift with a predicted alternate stop codon (p.A6Vfs*29). This mutation has been reported in two sisters who both presented with bilateral pulmonary cysts and spontaneous pneumothoraces; additionally, neither sister displayed any dermatologic manifestations of Birt Hogg Dube syndrome, and both sisters had normal renal ultrasounds (McDermott C et al. QJM, 2018 Apr). In addition to the clinical data presented in the literature, this alteration is expected to result in loss of function by premature protein truncation or nonsense-mediated mRNA decay. As such, this alteration is interpreted as a disease-causing mutation.

Literature cited by the submitters: PubMed 29669049 (cited by Ambry Genetics).